The following is an entry in ClinVar:

ClinVar aggregate classification (germline): Uncertain significance. Review status: criteria provided, multiple submitters, no conflicts (2 of 4 stars). 2 submissions from 2 submitters: Uncertain significance (2). Last evaluated 2025-06-09.

Allele frequency attached by ClinVar (database versions not stated): TOPMed below 0.00001; ExAC 0.00001; gnomAD 0.00001; gnomAD exomes 0.00005.

Submissions (2):

Ambry Genetics
Classification: Uncertain significance. Last evaluated: 2025-06-09. Review status: criteria provided, single submitter. Criteria: Ambry Variant Classification Scheme 2023. Collection method: clinical testing. Allele origin: germline.

Labcorp Genetics (formerly Invitae), Labcorp
Classification: Uncertain significance. Last evaluated: 2023-11-02. Review status: criteria provided, single submitter. Criteria: Invitae Variant Classification Sherloc (09022015). Collection method: clinical testing. Allele origin: germline.
Comment: This sequence change replaces asparagine, which is neutral and polar, with lysine, which is basic and polar, at codon 742 of the ANLN protein (p.Asn742Lys). This variant is present in population databases (rs777501753, gnomAD 0.004%). This variant has not been reported in the literature in individuals affected with ANLN-related conditions. ClinVar contains an entry for this variant (Variation ID: 2476604). Advanced modeling of protein sequence and biophysical properties (such as structural, functional, and spatial information, amino acid conservation, physicochemical variation, residue mobility, and thermodynamic stability) performed at Invitae indicates that this missense variant is expected to disrupt ANLN protein function with a positive predictive value of 80%. In summary, the available evidence is currently insufficient to determine the role of this variant in disease. Therefore, it has been classified as a Variant of Uncertain Significance.

NM_018685.5(ANLN):c.2226C>G (p.Asn742Lys)

Gene: ANLN (anillin, actin binding protein; plus strand). Cytogenetic location: 7p14.2.
Variant type: single nucleotide variant.
Coding change: c.2226C>G on transcript NM_018685.5 (MANE Select); coding-DNA position 2226, C replaced by G.
Protein change: p.Asn742Lys; replaces asparagine 742 with lysine.
Molecular consequence: missense variant.
Genome position (GRCh38, 1-based): chr7:36,421,919, C>G. VCF-style: chr7-36421919-C-G. GRCh37 (hg19) VCF-style: chr7-36461528-C-G.
Other names: c.2115C>G, p.Asn705Lys (NM_001284301.3); c.2112C>G, p.Asn704Lys (NM_001284302.3); short protein forms N704K, N742K, N705K.
Identifiers: ClinVar variation 2476604 (VCV002476604.6), dbSNP rs777501753, ClinGen allele CA4219814.